The following is an entry in ClinVar:

NM_002439.5(MSH3):c.2032C>A (p.Leu678Ile)

Gene: MSH3 (mutS homolog 3; plus strand). Cytogenetic location: 5q14.1.
Variant type: single nucleotide variant.
Coding change: c.2032C>A on transcript NM_002439.5 (MANE Select); coding-DNA position 2032, C replaced by A.
Protein change: p.Leu678Ile; replaces leucine 678 with isoleucine.
Molecular consequence: missense variant.
Genome position (GRCh38, 1-based): chr5:80,768,068, C>A. VCF-style: chr5-80768068-C-A. GRCh37 (hg19) VCF-style: chr5-80063887-C-A.
Other names: short protein forms L678I.
Identifiers: ClinVar variation 3398663 (VCV003398663.1).

ClinVar aggregate classification (germline): Uncertain significance (1 of 4 stars; one submission).

Conditions:
Hereditary cancer-predisposing syndrome. Also called: Hereditary Cancer Syndrome; Tumor predisposition; Hereditary neoplastic syndrome; Neoplastic Syndromes, Hereditary. Identifiers: Orphanet 140162, MedGen C0027672, MeSH D009386, MONDO:0015356.

Submission:

Ambry Genetics
Classification: Uncertain significance for Hereditary cancer-predisposing syndrome. Last evaluated: 2024-09-12. Review status: criteria provided, single submitter. Criteria: Ambry Variant Classification Scheme 2023. Collection method: clinical testing. Allele origin: germline.
Comment: The p.L678I variant (also known as c.2032C>A), located in coding exon 14 of the MSH3 gene, results from a C to A substitution at nucleotide position 2032. The leucine at codon 678 is replaced by isoleucine, an amino acid with highly similar properties. This amino acid position is conserved. In addition, this alteration is predicted to be tolerated by in silico analysis. Based on the available evidence, the clinical significance of this variant remains unclear.